The following is an entry in ClinVar:

ClinVar aggregate classification (germline): Likely benign (0 of 4 stars; one submission).

Conditions:
GIGYF1-related disorder. Also called: GIGYF1-related condition.

Allele frequency attached by ClinVar (database versions not stated): TOPMed 0.00006; ESP Exome Variant Server 0.00023.
gnomAD v4.1: 93 of 1,606,714 alleles (0.0058%); highest among the groups gnomAD compares: Non-Finnish European, 0.0077%; no homozygotes.

Submission:

PreventionGenetics, part of Exact Sciences
Classification: Likely benign for GIGYF1-related condition. Last evaluated: 2019-05-31. Review status: no assertion criteria provided. Collection method: clinical testing. Allele origin: germline.
Comment: This variant is classified as likely benign based on ACMG/AMP sequence variant interpretation guidelines (Richards et al. 2015 PMID: 25741868, with internal and published modifications).

NM_001375765.1(GIGYF1):c.1830G>T (p.Thr610=)

Gene: GIGYF1 (GRB10 interacting GYF protein 1; minus strand). Cytogenetic location: 7q22.1.
Variant type: single nucleotide variant.
Coding change: c.1830G>T on transcript NM_001375765.1 (MANE Select); coding-DNA position 1830, G replaced by T.
Protein change: p.Thr610=; no amino-acid change (threonine 610 retained).
Molecular consequence: synonymous variant. On other transcripts: non-coding transcript variant (1).
Genome position (GRCh38, 1-based): chr7:100,684,058, C>A on the plus strand (G>T on the coding strand, the complement: GIGYF1 is on the minus strand). VCF-style: chr7-100684058-C-A. GRCh37 (hg19) VCF-style: chr7-100281681-C-A.
Other names: NM_022574.4:c.1830G>T; c.1830G>T, p.Thr610= (NM_001375759.1, NM_001375760.1, NM_001375761.1 and 6 more transcripts).
Identifiers: ClinVar variation 3043876 (VCV003043876.2), dbSNP rs138722511, ClinGen allele CA4388392.